The following is an entry in ClinVar:

NM_014639.4(SKIC3):c.157C>A (p.Leu53Ile)

Gene: SKIC3 (SKI3 subunit of superkiller complex; minus strand). Cytogenetic location: 5q15.
Variant type: single nucleotide variant.
Coding change: c.157C>A on transcript NM_014639.4 (MANE Select); coding-DNA position 157, C replaced by A.
Protein change: p.Leu53Ile; replaces leucine 53 with isoleucine.
Molecular consequence: missense variant.
Genome position (GRCh38, 1-based): chr5:95,543,261, G>T on the plus strand (C>A on the coding strand, the complement: SKIC3 is on the minus strand). VCF-style: chr5-95543261-G-T. GRCh37 (hg19) VCF-style: chr5-94878965-G-T.
Other names: c.157C>A (NM_014639.3); short protein forms L53I.
Identifiers: ClinVar variation 1348748 (VCV001348748.5), dbSNP rs1462640752, ClinGen allele CA360446669.

ClinVar aggregate classification (germline): Uncertain significance. Review status: criteria provided, multiple submitters, no conflicts (2 of 4 stars). 3 submissions from 3 submitters: Uncertain significance (3). Last evaluated 2024-11-06.

Conditions:
Inborn genetic diseases. Identifiers: MedGen C0950123, MeSH D030342.

Allele frequency attached by ClinVar (database versions not stated): gnomAD exomes below 0.00001; TOPMed below 0.00001; gnomAD 0.00001.
gnomAD v4.1: 7 of 1,613,866 alleles (0.00043%); highest among the groups gnomAD compares: Non-Finnish European, 0.00051%; no homozygotes.

Submissions (3):

Blueprint Genetics
Classification: Uncertain significance. Last evaluated: 2024-11-06. Review status: criteria provided, single submitter. Criteria: ACMG Guidelines, 2015. Collection method: clinical testing. Allele origin: germline.

Ambry Genetics
Classification: Uncertain significance for Inborn genetic diseases. Last evaluated: 2022-10-26. Review status: criteria provided, single submitter. Criteria: Ambry Variant Classification Scheme 2023. Collection method: clinical testing. Allele origin: germline.

Labcorp Genetics (formerly Invitae), Labcorp
Classification: Uncertain significance. Last evaluated: 2022-01-19. Review status: criteria provided, single submitter. Criteria: Invitae Variant Classification Sherloc (09022015). Collection method: clinical testing. Allele origin: germline.
Comment: This sequence change replaces leucine, which is neutral and non-polar, with isoleucine, which is neutral and non-polar, at codon 53 of the TTC37 protein (p.Leu53Ile). This variant is not present in population databases (gnomAD no frequency). This variant has not been reported in the literature in individuals affected with TTC37-related conditions. Algorithms developed to predict the effect of missense changes on protein structure and function are either unavailable or do not agree on the potential impact of this missense change (SIFT: "Tolerated"; PolyPhen-2: "Probably Damaging"; Align-GVGD: "Class C0"). In summary, the available evidence is currently insufficient to determine the role of this variant in disease. Therefore, it has been classified as a Variant of Uncertain Significance.